The following is an entry in ClinVar:

ClinVar aggregate classification (germline): Uncertain significance (1 of 4 stars; one submission).

Conditions:
JAK2-related disorder. Also called: JAK2-related condition.

Submission:

PreventionGenetics, part of Exact Sciences
Classification: Uncertain significance for JAK2-related condition. Last evaluated: 2026-02-17. Review status: criteria provided, single submitter. Criteria: ACMG Guidelines, 2015. Collection method: clinical testing. Allele origin: germline.
Comment: The JAK2 c.2527_2528delCA variant is predicted to result in a frameshift and premature protein termination (p.Gln843Valfs*2). To our knowledge, this variant has not been reported in the literature or in a large population database (gnomAD), indicating this variant is rare. Loss of function is not an established mechanism of JAK2-related disease. At this time, the clinical significance of this variant is uncertain due to the absence of conclusive functional and genetic evidence.

NM_004972.4(JAK2):c.2527_2528del (p.Gln843fs)

Genes: INSL6 (insulin like 6; minus strand), JAK2 (Janus kinase 2; plus strand). Cytogenetic location: 9p24.1.
Variant type: Microsatellite.
Coding change: c.2527_2528del on transcript NM_004972.4 (MANE Select); coding-DNA positions 2527 to 2528, 2 bases deleted (CA; older notation c.2527_2528delCA).
Protein change: p.Gln843fs; shifts the reading frame from glutamine 843.
Molecular consequence: frameshift variant. On other transcripts: non-coding transcript variant (2).
Genome position (GRCh38, 1-based): chr9:5,081,817-5,081,818, CA deleted; deleting any 2 consecutive bases within chr9:5,081,814-5,081,818 gives the same sequence; the c. name uses the placement nearest the transcript's 3' end. VCF-style (leftmost placement, unchanged base first): chr9-5081813-TAC-T. GRCh37 (hg19) VCF-style: chr9-5081813-TAC-T.
Other names: c.2527_2528del, p.Gln843fs (NM_001322194.2, NM_001322195.2, NM_001322196.2); c.1312_1313del, p.Gln438fs (NM_001322198.2, NM_001322199.2); c.2080_2081del, p.Gln694fs (NM_001322204.2); c.2525_2526CA[1], p.Gln843Valfs (NM_004972.3); c.2527_2528delCA (NM_004972.3); short protein forms Q694fs, Q438fs, Q843fs.
Identifiers: ClinVar variation 4992603 (VCV004992603.1).